The following is an entry in ClinVar:

NM_015021.3(ZNF292):c.5083A>C (p.Asn1695His)

Gene: ZNF292 (zinc finger protein 292; plus strand). Cytogenetic location: 6q14.3.
Variant type: single nucleotide variant.
Coding change: c.5083A>C on transcript NM_015021.3 (MANE Select); coding-DNA position 5083, A replaced by C.
Protein change: p.Asn1695His; replaces asparagine 1695 with histidine.
Molecular consequence: missense variant.
Genome position (GRCh38, 1-based): chr6:87,258,712, A>C. VCF-style: chr6-87258712-A-C. GRCh37 (hg19) VCF-style: chr6-87968430-A-C.
Other names: c.4663A>C, p.Asn1555His (NM_001351444.2); short protein forms N1555H, N1695H.
Identifiers: ClinVar variation 2572288 (VCV002572288.1), dbSNP rs2482337555, ClinGen allele CA364931052.
Genomic context (GRCh38, chr6:87,258,712, plus strand): 5'-CCAACTTGTGAACCTCAGAGTTTGGTGGAAAATCTAACACAGAAATTAAATAATGTTAAC[A>C]ATCAGTTATTTATGACTGATGTAAAAGAGAATTTCAAAACCAGTCTTGAGTCCCATACAG-3'
Protein context (NP_055836.1, residues 1685-1705): NLTQKLNNVN[Asn1695His]QLFMTDVKEN

ClinVar aggregate classification (germline): Uncertain significance (1 of 4 stars; one submission).

Submission:

Greenwood Genetic Center Diagnostic Laboratories, Greenwood Genetic Center
Classification: Uncertain significance. Last evaluated: 2023-06-21. Review status: criteria provided, single submitter. Criteria: ACMG Guidelines, 2015. Collection method: clinical testing. Allele origin: germline. Affected: yes.
Comment: PM2